The following is an entry in ClinVar:

NM_001136157.2(OTUD5):c.75G>C (p.Pro25=)

Gene: OTUD5 (OTU deubiquitinase 5; minus strand). Cytogenetic location: Xp11.23.
Variant type: single nucleotide variant.
Coding change: c.75G>C on transcript NM_001136157.2 (MANE Select); coding-DNA position 75, G replaced by C.
Protein change: p.Pro25=; no amino-acid change (proline 25 retained).
Molecular consequence: synonymous variant. On other transcripts: intron variant (1).
Genome position (GRCh38, 1-based): chrX:48,957,496, C>G on the plus strand (G>C on the coding strand, the complement: OTUD5 is on the minus strand). VCF-style: chrX-48957496-C-G. GRCh37 (hg19) VCF-style: chrX-48814758-C-G.
Other names: c.75G>C, p.Pro25= (NM_001136158.2, NM_017602.4); c.-58+736G>C (NM_001136159.2).
Identifiers: ClinVar variation 3357830 (VCV003357830.1).

ClinVar aggregate classification (germline): Likely benign (0 of 4 stars; one submission).

Conditions:
OTUD5-related disorder. Also called: OTUD5-related condition.

Submission:

PreventionGenetics, part of Exact Sciences
Classification: Likely benign for OTUD5-related condition. Last evaluated: 2024-05-08. Review status: no assertion criteria provided. Collection method: clinical testing. Allele origin: germline.
Comment: This variant is classified as likely benign based on ACMG/AMP sequence variant interpretation guidelines (Richards et al. 2015 PMID: 25741868, with internal and published modifications).